The following is an entry in ClinVar:

ClinVar aggregate classification (germline): Uncertain significance (1 of 4 stars; one submission).

Conditions:
Pseudohypoaldosteronism type 2C (PHA2C). Also called: Pseudohypoaldosteronism Type IIC. Identifiers: Orphanet 757, Orphanet 88940, MedGen C1840391, MONDO:0013778, OMIM 614492.

Submission:

MVZ Medizinische Genetik Mainz
Classification: Uncertain significance for Pseudohypoaldosteronism type 2C. Last evaluated: 2025-07-10. Review status: criteria provided, single submitter. Criteria: UK Practice Guidelines For Variant Classification V4 01 2020. Collection method: clinical testing. Allele origin: germline. Inheritance: Autosomal dominant inheritance. Observed: 1 variant allele.
Comment: ACMG Criteria: PM1,PM2_SUP,PP4

NM_018979.4(WNK1):c.1894C>T (p.Pro632Ser)

Gene: WNK1 (WNK lysine deficient protein kinase 1; plus strand). Cytogenetic location: 12p13.33.
Variant type: single nucleotide variant.
Coding change: c.1894C>T on transcript NM_018979.4 (MANE Select); coding-DNA position 1894, C replaced by T.
Protein change: p.Pro632Ser; replaces proline 632 with serine.
Molecular consequence: missense variant.
Genome position (GRCh38, 1-based): chr12:861,286, C>T. VCF-style: chr12-861286-C-T. GRCh37 (hg19) VCF-style: chr12-970452-C-T.
Other names: c.1894C>T, p.Pro632Ser (NM_001184985.2, NM_014823.3, NM_213655.5); short protein forms P632S.
Identifiers: ClinVar variation 4072223 (VCV004072223.1).